The following is an entry in ClinVar:

ClinVar aggregate classification (germline): Likely benign (1 of 4 stars; one submission).

Allele frequency attached by ClinVar (database versions not stated): ExAC 0.00001.
gnomAD v4.1: 5 of 1,614,136 alleles (0.00031%); highest among the groups gnomAD compares: Non-Finnish European, 0.00042%; no homozygotes.

Submission:

CeGaT Center for Human Genetics Tuebingen
Classification: Likely benign. Last evaluated: 2022-04-01. Review status: criteria provided, single submitter. Criteria: CeGaT Center For Human Genetics Tuebingen Variant Classification Criteria Version 2. Collection method: clinical testing. Allele origin: germline. Affected: yes. Observed: 1 variant allele.
Comment: ANKRD11: PM2:Supporting, BP4, BP7

NM_013275.6(ANKRD11):c.4107G>A (p.Glu1369=)

Gene: ANKRD11 (ankyrin repeat domain 11; minus strand). Cytogenetic location: 16q24.3.
Variant type: single nucleotide variant.
Coding change: c.4107G>A on transcript NM_013275.6 (MANE Select); coding-DNA position 4107, G replaced by A.
Protein change: p.Glu1369=; no amino-acid change (glutamic acid 1369 retained).
Molecular consequence: synonymous variant.
Genome position (GRCh38, 1-based): chr16:89,282,435, C>T on the plus strand (G>A on the coding strand, the complement: ANKRD11 is on the minus strand). VCF-style: chr16-89282435-C-T. GRCh37 (hg19) VCF-style: chr16-89348843-C-T.
Other names: c.4107G>A, p.Glu1369= (NM_001256182.2, NM_001256183.2).
Identifiers: ClinVar variation 2647078 (VCV002647078.24), dbSNP rs758469525, ClinGen allele CA8242213.